The following is an entry in ClinVar:

NM_000051.4(ATM):c.172del (p.Asp58fs)

Gene: ATM (ATM serine/threonine kinase; plus strand). Cytogenetic location: 11q22.3.
Variant type: Deletion.
Coding change: c.172del on transcript NM_000051.4 (MANE Select); coding-DNA position 172, one base deleted (G; older notation c.172delG).
Protein change: p.Asp58fs; shifts the reading frame from aspartic acid 58.
Molecular consequence: frameshift variant.
Genome position (GRCh38, 1-based): chr11:108,227,875, G deleted; the last of 3 consecutive G bases (chr11:108,227,873-108,227,875); deleting any one gives the same sequence. VCF-style (leftmost placement, unchanged base first): chr11-108227872-TG-T. GRCh37 (hg19) VCF-style: chr11-108098599-TG-T.
Other names: c.172delG (NM_000051.3); c.172del, p.Asp58fs (NM_001351834.2, NM_001351835.2, NM_001351836.2); short protein forms D58fs.
Identifiers: ClinVar variation 490433 (VCV000490433.10), dbSNP rs1555054243, ClinGen allele CA658683702.

ClinVar aggregate classification (germline): Pathogenic/Likely pathogenic. Review status: criteria provided, multiple submitters, no conflicts (2 of 4 stars). 3 submissions from 3 submitters: Pathogenic (2); Likely pathogenic (1). Last evaluated 2024-11-02.

Conditions:
Hereditary cancer-predisposing syndrome. Also called: Tumor predisposition; Neoplastic Syndromes, Hereditary; Hereditary Cancer Syndrome; Hereditary neoplastic syndrome. Identifiers: Orphanet 140162, MedGen C0027672, MeSH D009386, MONDO:0015356.
Ataxia-telangiectasia syndrome (AT). Also called: Ataxia-telangiectasia; Ataxia-telangiectasia, complementation group D; AT, COMPLEMENTATION GROUP C; LOUIS-BAR SYNDROME; Cerebello-oculocutaneous telangiectasia; Immunodeficiency with ataxia telangiectasia. Identifiers: Orphanet 100, MedGen C0004135, MONDO:0008840, OMIM 208900.

Submissions (3):

Natera, Inc.
Classification: Likely pathogenic for Ataxia-telangiectasia. Last evaluated: 2024-11-02. Review status: criteria provided, single submitter. Criteria: Natera Variant Classification Schema (03/2026). Collection method: clinical testing. Allele origin: germline.
Comment: The c.172delG variant in ATM is a frameshift variant predicted to shift the reading frame beginning at codon 58 and leads to a stop codon 18 codons downstream. This variant is expected to result in nonsense mediated decay, truncation, or a dysfunctional protein product. This variant is rare in the general population with a frequency below the threshold expected for the associated phenotype(s). Given the available evidence, this variant is classified as Likely Pathogenic.

Labcorp Genetics (formerly Invitae), Labcorp
Classification: Pathogenic for Ataxia-telangiectasia syndrome. Last evaluated: 2022-08-24. Review status: criteria provided, single submitter. Criteria: Invitae Variant Classification Sherloc (09022015). Collection method: clinical testing. Allele origin: germline.
Comment: For these reasons, this variant has been classified as Pathogenic. ClinVar contains an entry for this variant (Variation ID: 490433). This variant has not been reported in the literature in individuals affected with ATM-related conditions. This variant is not present in population databases (gnomAD no frequency). This sequence change creates a premature translational stop signal (p.Asp58Metfs*18) in the ATM gene. It is expected to result in an absent or disrupted protein product. Loss-of-function variants in ATM are known to be pathogenic (PMID: 23807571, 25614872).

Color Diagnostics, LLC DBA Color Health
Classification: Pathogenic for Hereditary cancer-predisposing syndrome. Last evaluated: 2020-05-08. Review status: criteria provided, single submitter. Criteria: ACMG Guidelines, 2015. Collection method: clinical testing. Allele origin: germline.
Comment: This variant deletes 1 nucleotide in exon 3 of the ATM gene, creating a frameshift and premature translation stop signal. This variant is expected to result in an absent or non-functional protein product. To our knowledge, this variant has not been reported in individuals affected with hereditary cancer in the literature. This variant has not been identified in the general population by the Genome Aggregation Database (gnomAD). Loss of ATM function is a known mechanism of disease. Based on the available evidence, this variant is classified as Pathogenic.

Literature cited by the submitters: PubMed 23807571 (cited by Labcorp Genetics (formerly Invitae), Labcorp); PubMed 25614872 (cited by Labcorp Genetics (formerly Invitae), Labcorp).